The following is an entry in ClinVar:

NM_006922.4(SCN3A):c.4148_4151del (p.Asp1383fs)

Gene: SCN3A (sodium voltage-gated channel alpha subunit 3; minus strand). Cytogenetic location: 2q24.3.
Variant type: Deletion.
Coding change: c.4148_4151del on transcript NM_006922.4 (MANE Select); coding-DNA positions 4148 to 4151, 4 bases deleted (ACTG; older notation c.4148_4151delACTG).
Protein change: p.Asp1383fs; shifts the reading frame from aspartic acid 1383.
Molecular consequence: frameshift variant.
Genome position (GRCh38, 1-based): chr2:165,097,340-165,097,343, CAGT deleted on the plus strand (ACTG on the coding strand, the reverse complement: SCN3A is on the minus strand); deleting any 4 consecutive bases within chr2:165,097,340-165,097,345 gives the same sequence; the c. name uses the placement nearest the transcript's 3' end. VCF-style (leftmost placement, unchanged base first): chr2-165097339-ACAGT-A. GRCh37 (hg19) VCF-style: chr2-165953849-ACAGT-A.
Other names: c.4001_4004del, p.Asp1334fs (NM_001081676.2, NM_001081677.2); short protein forms D1334fs, D1383fs.
Identifiers: ClinVar variation 658574 (VCV000658574.6), dbSNP rs1574101474, ClinGen allele CA915942917.

ClinVar aggregate classification (germline): Uncertain significance (1 of 4 stars; one submission).

Submission:

Labcorp Genetics (formerly Invitae), Labcorp
Classification: Uncertain significance. Last evaluated: 2023-11-02. Review status: criteria provided, single submitter. Criteria: Invitae Variant Classification Sherloc (09022015). Collection method: clinical testing. Allele origin: germline.
Comment: This sequence change creates a premature translational stop signal (p.Asp1383Valfs*13) in the SCN3A gene. It is expected to result in an absent or disrupted protein product. However, the current clinical and genetic evidence is not sufficient to establish whether loss-of-function variants in SCN3A cause disease. This variant is not present in population databases (gnomAD no frequency). This variant has not been reported in the literature in individuals affected with SCN3A-related conditions. ClinVar contains an entry for this variant (Variation ID: 658574). Algorithms developed to predict the effect of sequence changes on RNA splicing suggest that this variant may disrupt the consensus splice site. In summary, the available evidence is currently insufficient to determine the role of this variant in disease. Therefore, it has been classified as a Variant of Uncertain Significance.